The following is an entry in ClinVar:

ClinVar aggregate classification (germline): Uncertain significance. Review status: criteria provided, multiple submitters, no conflicts (2 of 4 stars). 2 submissions from 2 submitters: Uncertain significance (2). Last evaluated 2024-10-13.

Conditions:
Hereditary cancer-predisposing syndrome. Also called: Hereditary neoplastic syndrome; Tumor predisposition; Neoplastic Syndromes, Hereditary; Hereditary Cancer Syndrome. Identifiers: Orphanet 140162, MedGen C0027672, MeSH D009386, MONDO:0015356.
Neuroblastoma, susceptibility to, 3. Also called: ALK-Related Neuroblastic Tumor Susceptibility. Identifiers: Orphanet 635, MedGen C2751681, MONDO:0013083, OMIM 613014.

Allele frequency attached by ClinVar (database versions not stated): TOPMed 0.00001.
gnomAD v4.1: 3 of 1,614,012 alleles (0.00019%); highest among the groups gnomAD compares: African/African-American, 0.004%; no homozygotes.

Submissions (2):

Labcorp Genetics (formerly Invitae), Labcorp
Classification: Uncertain significance for Neuroblastoma, susceptibility to, 3. Last evaluated: 2024-10-13. Review status: criteria provided, single submitter. Criteria: Invitae Variant Classification Sherloc (09022015). Collection method: clinical testing. Allele origin: germline.
Comment: This sequence change replaces arginine, which is basic and polar, with leucine, which is neutral and non-polar, at codon 412 of the ALK protein (p.Arg412Leu). This variant is not present in population databases (gnomAD no frequency). This variant has not been reported in the literature in individuals affected with ALK-related conditions. ClinVar contains an entry for this variant (Variation ID: 858049). An algorithm developed to predict the effect of missense changes on protein structure and function (PolyPhen-2) suggests that this variant is likely to be disruptive. In summary, the available evidence is currently insufficient to determine the role of this variant in disease. Therefore, it has been classified as a Variant of Uncertain Significance.

Ambry Genetics
Classification: Uncertain significance for Hereditary cancer-predisposing syndrome. Last evaluated: 2024-04-22. Review status: criteria provided, single submitter. Criteria: Ambry Variant Classification Scheme 2023. Collection method: clinical testing. Allele origin: germline.
Comment: The p.R412L variant (also known as c.1235G>T), located in coding exon 5 of the ALK gene, results from a G to T substitution at nucleotide position 1235. The arginine at codon 412 is replaced by leucine, an amino acid with dissimilar properties. This amino acid position is conserved. In addition, this alteration is predicted to be tolerated by in silico analysis. Since supporting evidence is limited at this time, the clinical significance of this alteration remains unclear.

NM_004304.5(ALK):c.1235G>T (p.Arg412Leu)

Gene: ALK (ALK receptor tyrosine kinase; minus strand). Cytogenetic location: 2p23.2.
Variant type: single nucleotide variant.
Coding change: c.1235G>T on transcript NM_004304.5 (MANE Select); coding-DNA position 1235, G replaced by T.
Protein change: p.Arg412Leu; replaces arginine 412 with leucine.
Molecular consequence: missense variant.
Genome position (GRCh38, 1-based): chr2:29,383,779, C>A on the plus strand (G>T on the coding strand, the complement: ALK is on the minus strand). VCF-style: chr2-29383779-C-A. GRCh37 (hg19) VCF-style: chr2-29606645-C-A.
Other names: short protein forms R412L.
Identifiers: ClinVar variation 858049 (VCV000858049.13), dbSNP rs1388736375, ClinGen allele CA346585191.